The following is an entry in ClinVar:

NM_002878.4(RAD51D):c.481-2A>G

Genes: RAD51D (RAD51 paralog D; minus strand), RAD51L3-RFFL (RAD51L3-RFFL readthrough; minus strand). Cytogenetic location: 17q12.
Variant type: single nucleotide variant.
Coding change: c.481-2A>G on transcript NM_002878.4 (MANE Select); the canonical splice acceptor site of the intron before coding-DNA position 481, A replaced by G.
Molecular consequence: splice acceptor variant.
Genome position (GRCh38, 1-based): chr17:35,106,483, T>C on the plus strand (A>G on the coding strand, the complement: RAD51D is on the minus strand). VCF-style: chr17-35106483-T-C. GRCh37 (hg19) VCF-style: chr17-33433502-T-C.
Other names: c.145-2A>G (NM_133629.3); c.541-2A>G (NM_001142571.2).
Identifiers: ClinVar variation 1692729 (VCV001692729.4), dbSNP rs2091605461, ClinGen allele CA399089102.

ClinVar aggregate classification (germline): Conflicting classifications of pathogenicity. Review status: criteria provided, conflicting classifications (1 of 4 stars). 4 submissions from 4 submitters: Likely pathogenic (3); Uncertain significance (1). Last evaluated 2025-08-27.

Conditions:
Hereditary cancer-predisposing syndrome. Also called: Hereditary Cancer Syndrome; Hereditary neoplastic syndrome; Neoplastic Syndromes, Hereditary; Tumor predisposition. Identifiers: Orphanet 140162, MedGen C0027672, MeSH D009386, MONDO:0015356.
Breast-ovarian cancer, familial, susceptibility to, 4. Identifiers: Orphanet 145, MedGen C3280345, MONDO:0013669, OMIM 614291.

Allele frequency attached by ClinVar (database versions not stated): TOPMed 0.00001.

Submissions (4):

Labcorp Genetics (formerly Invitae), Labcorp
Classification: Likely pathogenic for Breast-ovarian cancer, familial, susceptibility to, 4. Last evaluated: 2025-08-27. Review status: criteria provided, single submitter. Criteria: Invitae Variant Classification Sherloc (09022015). Collection method: clinical testing. Allele origin: germline.
Comment: This sequence change affects an acceptor splice site in intron 5 of the RAD51D gene. It is expected to disrupt RNA splicing. Variants that disrupt the donor or acceptor splice site typically lead to a loss of protein function (PMID: 16199547), and loss-of-function variants in RAD51D are known to be pathogenic (PMID: 21822267). This variant is not present in population databases (gnomAD no frequency). This variant has not been reported in the literature in individuals affected with RAD51D-related conditions. ClinVar contains an entry for this variant (Variation ID: 1692729). Algorithms developed to predict the effect of sequence changes on RNA splicing suggest that this variant may disrupt the consensus splice site. In summary, the currently available evidence indicates that the variant is pathogenic, but additional data are needed to prove that conclusively. Therefore, this variant has been classified as Likely Pathogenic.

Ambry Genetics
Classification: Uncertain significance for Hereditary cancer-predisposing syndrome. Last evaluated: 2025-06-13. Review status: criteria provided, single submitter. Criteria: Ambry Variant Classification Scheme 2023. Collection method: clinical testing. Allele origin: germline.
Comment: The c.481-2A>G intronic variant results from an A to G substitution two nucleotides upstream from coding exon 6 in the RAD51D gene. This nucleotide position is highly conserved in available vertebrate species. In silico splice site analysis predicts that this alteration will weaken the native splice acceptor site and will result in the creation or strengthening of a novel splice acceptor site. The resulting transcript is predicted to be in-frame and is not expected to trigger nonsense-mediated mRNA decay; however; direct evidence is insufficient at this time (Ambry internal data). The exact functional effect of the altered amino acid sequence is unknown. Since supporting evidence is limited at this time, the clinical significance of this alteration remains unclear.

Myriad Genetics, Inc.
Classification: Likely pathogenic for Breast-ovarian cancer, familial, susceptibility to, 4. Last evaluated: 2024-01-04. Review status: criteria provided, single submitter. Criteria: Myriad Autosomal Dominant, Autosomal Recessive and X-Linked Classification Criteria (2023). Collection method: clinical testing. Allele origin: unknown.
Comment: This variant is considered likely pathogenic. This variant occurs within a consensus splice junction and is predicted to result in abnormal mRNA splicing of either an out-of-frame exon or an in-frame exon necessary for protein stability and/or normal function.

Sema4
Classification: Likely pathogenic for Hereditary cancer-predisposing syndrome. Last evaluated: 2022-02-16. Review status: criteria provided, single submitter. Criteria: Sema4 Curation Guidelines. Collection method: curation. Allele origin: germline.
Comment: To the best of our knowledge, the RAD51D c.481-2A>G variant has not been reported in individuals with RAD51D-related disease. This variant affects a nucleotide within a consensus splice site of an intron. This variant may cause exon skipping, intron retention or use of a cryptic splice site. This variant is not reported in the population database Genome Aggregation Database (PMID: 32461654) nor in ClinVar. Based on the current evidence available, this variant is interpreted as likely pathogenic.

Literature cited by the submitters: PubMed 16199547 (cited by Labcorp Genetics (formerly Invitae), Labcorp); PubMed 21822267 (cited by Labcorp Genetics (formerly Invitae), Labcorp).